The following is an entry in ClinVar:

ClinVar aggregate classification (germline): Pathogenic/Likely pathogenic. Review status: criteria provided, multiple submitters, no conflicts (2 of 4 stars). 5 submissions from 5 submitters: Pathogenic (1); Likely pathogenic (4). Last evaluated 2025-12-26.

Conditions:
3-methylcrotonyl-CoA carboxylase 1 deficiency (MCC1D). Also called: MCCD TYPE 1; METHYLCROTONYLGLYCINURIA TYPE I; MCC 1 deficiency; 3 Alpha methylcrotonylglycinuria 1. Identifiers: Orphanet 6, MedGen CN028786, MONDO:0008861, OMIM 210200.

Allele frequency attached by ClinVar (database versions not stated): TOPMed below 0.00001; gnomAD exomes 0.00001 and 0.00004; gnomAD 0.00002; ExAC 0.00004.
gnomAD v4.1: 8 of 1,614,018 alleles (0.0005%); highest among the groups gnomAD compares: East Asian, 0.016%; no homozygotes.

Submissions (5):

Natera, Inc.
Classification: Likely pathogenic for 3-methylcrotonyl-CoA carboxylase 1 deficiency. Last evaluated: 2025-12-26. Review status: criteria provided, single submitter. Criteria: Natera Variant Classification Schema (03/2026). Collection method: clinical testing. Allele origin: germline.
Comment: The c.639+5G>T variant in MCCC1 is an intronic variant located outside the canonical splice sites. This variant is rare in the general population with a frequency below the threshold expected for the associated phenotype(s). This variant has been observed in one or more individuals affected with the associated recessive disease, as either homozygous or compound heterozygous with a second variant (PMID: 30904546, 25382614, 3918858). Functional studies show that this variant may disrupt protein function (PMID: 25382614). Given the available evidence, this variant is classified as Likely Pathogenic.

Fulgent Genetics
Classification: Likely pathogenic for 3-methylcrotonyl-CoA carboxylase 1 deficiency. Last evaluated: 2024-05-10. Review status: criteria provided, single submitter. Criteria: ACMG Guidelines, 2015. Collection method: clinical testing. Allele origin: germline.

Baylor Genetics
Classification: Likely pathogenic for 3-methylcrotonyl-CoA carboxylase 1 deficiency. Last evaluated: 2024-02-14. Review status: criteria provided, single submitter. Criteria: ACMG Guidelines, 2015. Collection method: clinical testing. Allele origin: unknown.

Labcorp Genetics (formerly Invitae), Labcorp
Classification: Likely pathogenic for 3-methylcrotonyl-CoA carboxylase 1 deficiency. Last evaluated: 2024-01-21. Review status: criteria provided, single submitter. Criteria: Invitae Variant Classification Sherloc (09022015). Collection method: clinical testing. Allele origin: germline.
Comment: This sequence change falls in intron 6 of the MCCC1 gene. It does not directly change the encoded amino acid sequence of the MCCC1 protein. It affects a nucleotide within the consensus splice site. This variant is present in population databases (rs768630906, gnomAD 0.06%). This variant has been observed in individuals with 3 methylcrotonyl-CoA carboxylase deficiency (PMID: 24078573, 25382614). ClinVar contains an entry for this variant (Variation ID: 1067048). Variants that disrupt the consensus splice site are a relatively common cause of aberrant splicing (PMID: 17576681, 9536098). Studies have shown that this variant alters mRNA splicing and is expected to lead to the loss of protein expression (PMID: 25382614). In summary, the currently available evidence indicates that the variant is pathogenic, but additional data are needed to prove that conclusively. Therefore, this variant has been classified as Likely Pathogenic.

Juno Genomics, Hangzhou Juno Genomics, Inc
Classification: Pathogenic for 3-methylcrotonyl-CoA carboxylase 1 deficiency. Review status: criteria provided, single submitter. Criteria: ACMG Guidelines, 2015. Collection method: clinical testing. Allele origin: germline. Affected: yes.
Comment: Absent from controls (or at extremely low frequency if recessive) in Genome Aggregation Database, Exome Sequencing Project, 1000 Genomes Project, or Exome Aggregation Consortium.;Null variant in a gene where loss of function (LOF) is a known mechanism of disease.;Patient's phenotype or family history is highly specific for a disease with a single genetic etiology.

Literature cited by the submitters: PubMed 30904546 (cited by Natera, Inc.); PubMed 25382614 (cited by Natera, Inc. and Labcorp Genetics (formerly Invitae), Labcorp); PubMed 3918858 (cited by Natera, Inc.); PubMed 24078573 (cited by Labcorp Genetics (formerly Invitae), Labcorp); PubMed 17576681 (cited by Labcorp Genetics (formerly Invitae), Labcorp); PubMed 9536098 (cited by Labcorp Genetics (formerly Invitae), Labcorp).

NM_020166.5(MCCC1):c.639+5G>T

Gene: MCCC1 (methylcrotonyl-CoA carboxylase subunit 1; minus strand). Cytogenetic location: 3q27.1.
Variant type: single nucleotide variant.
Coding change: c.639+5G>T on transcript NM_020166.5 (MANE Select); 5 bases into the intron after coding-DNA position 639, G replaced by T.
Molecular consequence: intron variant.
Genome position (GRCh38, 1-based): chr3:183,071,205, C>A on the plus strand (G>T on the coding strand, the complement: MCCC1 is on the minus strand). VCF-style: chr3-183071205-C-A. GRCh37 (hg19) VCF-style: chr3-182788993-C-A.
Other names: c.312+5G>T (NM_001363880.1); c.288+5G>T (NM_001293273.2); c.639+5G>T (NM_020166.4).
Identifiers: ClinVar variation 1067048 (VCV001067048.13), dbSNP rs768630906, ClinGen allele CA2719024.